The following is an entry in ClinVar:

NM_001035.3(RYR2):c.4891C>T (p.His1631Tyr)

Gene: RYR2 (ryanodine receptor 2; plus strand). Cytogenetic location: 1q43.
Variant type: single nucleotide variant.
Coding change: c.4891C>T on transcript NM_001035.3 (MANE Select); coding-DNA position 4891, C replaced by T.
Protein change: p.His1631Tyr; replaces histidine 1631 with tyrosine.
Molecular consequence: missense variant.
Genome position (GRCh38, 1-based): chr1:237,610,969, C>T. VCF-style: chr1-237610969-C-T. GRCh37 (hg19) VCF-style: chr1-237774269-C-T.
Other names: c.4891C>T, p.His1631Tyr (LRG_402t1); short protein forms H1631Y.
Identifiers: ClinVar variation 191481 (VCV000191481.1), dbSNP rs786205423, ClinGen allele CA009711.

ClinVar aggregate classification (germline): Uncertain significance (1 of 4 stars; one submission).

Submission:

Biesecker Lab/Clinical Genomics Section, National Institutes of Health
Classification: Uncertain significance. Last evaluated: 2013-06-24. Review status: criteria provided, single submitter. Criteria: Ng et al. (Circ Cardiovasc Genet. 2013). Collection method: research. Allele origin: unknown. Observed: 1 variant allele. Study: ClinSeq.
Comment: The study set was not selected for affection status in relation to any cancer. Pathogenicity categories were based on literature curation. See Pubmed ID:23861362 for details.

Medical sequencing